The following is an entry in ClinVar:

NM_133496.5(SLC30A7):c.653A>G (p.His218Arg)

Gene: SLC30A7 (solute carrier family 30 member 7; plus strand). Cytogenetic location: 1p21.2.
Variant type: single nucleotide variant.
Coding change: c.653A>G on transcript NM_133496.5 (MANE Select); coding-DNA position 653, A replaced by G.
Protein change: p.His218Arg; replaces histidine 218 with arginine.
Molecular consequence: missense variant.
Genome position (GRCh38, 1-based): chr1:100,913,804, A>G. VCF-style: chr1-100913804-A-G. GRCh37 (hg19) VCF-style: chr1-101379360-A-G.
Other names: c.653A>G, p.His218Arg (NM_001144884.2); c.653A>G (NM_133496.4); short protein forms H218R.
Identifiers: ClinVar variation 1946911 (VCV001946911.6), dbSNP rs145181243, ClinGen allele CA972149.

ClinVar aggregate classification (germline): Uncertain significance. Review status: criteria provided, multiple submitters, no conflicts (2 of 4 stars). 2 submissions from 2 submitters: Uncertain significance (2). Last evaluated 2025-07-18.

Allele frequency attached by ClinVar (database versions not stated): TOPMed below 0.00001; ExAC 0.00002; ESP Exome Variant Server 0.00008.
gnomAD v4.1: 6 of 1,613,624 alleles (0.00037%); highest among the groups gnomAD compares: Non-Finnish European, 0.00042%; no homozygotes.

Submissions (2):

Ambry Genetics
Classification: Uncertain significance. Last evaluated: 2025-07-18. Review status: criteria provided, single submitter. Criteria: Ambry Variant Classification Scheme 2023. Collection method: clinical testing. Allele origin: germline.

Labcorp Genetics (formerly Invitae), Labcorp
Classification: Uncertain significance. Last evaluated: 2022-09-23. Review status: criteria provided, single submitter. Criteria: Invitae Variant Classification Sherloc (09022015). Collection method: clinical testing. Allele origin: germline.
Comment: This sequence change replaces histidine, which is basic and polar, with arginine, which is basic and polar, at codon 218 of the SLC30A7 protein (p.His218Arg). This variant is present in population databases (rs145181243, gnomAD 0.002%). This variant has not been reported in the literature in individuals affected with SLC30A7-related conditions. Algorithms developed to predict the effect of missense changes on protein structure and function (SIFT, PolyPhen-2, Align-GVGD) all suggest that this variant is likely to be tolerated. In summary, the available evidence is currently insufficient to determine the role of this variant in disease. Therefore, it has been classified as a Variant of Uncertain Significance.